The following is an entry in ClinVar:

NM_182914.3(SYNE2):c.10942G>T (p.Glu3648Ter)

Gene: SYNE2 (spectrin repeat containing nuclear envelope protein 2; plus strand). Cytogenetic location: 14q23.2.
Variant type: single nucleotide variant.
Coding change: c.10942G>T on transcript NM_182914.3 (MANE Select); coding-DNA position 10942, G replaced by T.
Protein change: p.Glu3648Ter; replaces glutamic acid 3648 with a stop codon.
Molecular consequence: nonsense.
Genome position (GRCh38, 1-based): chr14:64,076,020, G>T. VCF-style: chr14-64076020-G-T. GRCh37 (hg19) VCF-style: chr14-64542738-G-T.
Other names: c.10942G>T, p.Glu3648Ter (NM_015180.6); short protein forms E3648*.
Identifiers: ClinVar variation 3729693 (VCV003729693.2).

ClinVar aggregate classification (germline): Uncertain significance (1 of 4 stars; one submission).

Conditions:
Emery-Dreifuss muscular dystrophy 5, autosomal dominant (EDMD5). Also called: EMERY-DREIFUSS MUSCULAR DYSTROPHY 5. Identifiers: Orphanet 261, MedGen C2751805, MONDO:0013072, OMIM 612999.

Submission:

Labcorp Genetics (formerly Invitae), Labcorp
Classification: Uncertain significance for Emery-Dreifuss muscular dystrophy 5, autosomal dominant. Last evaluated: 2025-01-27. Review status: criteria provided, single submitter. Criteria: Invitae Variant Classification Sherloc (09022015). Collection method: clinical testing. Allele origin: germline.
Comment: This sequence change creates a premature translational stop signal (p.Glu3648*) in the SYNE2 gene. It is expected to result in an absent or disrupted protein product. However, the current clinical and genetic evidence is not sufficient to establish whether loss-of-function variants in SYNE2 cause disease. This variant is not present in population databases (gnomAD no frequency). This variant has not been reported in the literature in individuals affected with SYNE2-related conditions. Algorithms developed to predict the effect of sequence changes on RNA splicing suggest that this variant may disrupt the consensus splice site. In summary, the available evidence is currently insufficient to determine the role of this variant in disease. Therefore, it has been classified as a Variant of Uncertain Significance.